The following is an entry in ClinVar:

ClinVar aggregate classification (germline): Uncertain significance. Review status: criteria provided, multiple submitters, no conflicts (2 of 4 stars). 2 submissions from 2 submitters: Uncertain significance (2). Last evaluated 2025-09-24.

Conditions:
Inborn genetic diseases. Identifiers: MedGen C0950123, MeSH D030342.
Fanconi anemia (FA). Also called: Fanconi's anemia. Identifiers: Orphanet 84, MedGen C0015625, MeSH D005199, MONDO:0019391.

Allele frequency attached by ClinVar (database versions not stated): gnomAD exomes below 0.00001.
gnomAD v4.1: 6 of 1,559,212 alleles (0.00038%); highest among the groups gnomAD compares: Non-Finnish European, 0.00026%; no homozygotes.

Submissions (2):

Labcorp Genetics (formerly Invitae), Labcorp
Classification: Uncertain significance for Fanconi anemia. Last evaluated: 2025-09-24. Review status: criteria provided, single submitter. Criteria: Invitae Variant Classification Sherloc (09022015). Collection method: clinical testing. Allele origin: germline.
Comment: This sequence change replaces lysine, which is basic and polar, with glutamic acid, which is acidic and polar, at codon 867 of the FANCM protein (p.Lys867Glu). This variant is not present in population databases (gnomAD no frequency). This variant has not been reported in the literature in individuals affected with FANCM-related conditions. ClinVar contains an entry for this variant (Variation ID: 1018259). An algorithm developed to predict the effect of missense changes on protein structure and function outputs the following: PolyPhen-2: "Benign". The glutamic acid amino acid residue is found in multiple mammalian species, which suggests that this missense change does not adversely affect protein function. In summary, the available evidence is currently insufficient to determine the role of this variant in disease. Therefore, it has been classified as a Variant of Uncertain Significance.

Ambry Genetics
Classification: Uncertain significance for Inborn genetic diseases. Last evaluated: 2025-02-28. Review status: criteria provided, single submitter. Criteria: Ambry Variant Classification Scheme 2023. Collection method: clinical testing. Allele origin: germline.
Comment: The p.K867E variant (also known as c.2599A>G), located in coding exon 14 of the FANCM gene, results from an A to G substitution at nucleotide position 2599. The lysine at codon 867 is replaced by glutamic acid, an amino acid with similar properties. This amino acid position is conserved. In addition, this alteration is predicted to be tolerated by in silico analysis. Based on the available evidence, the clinical significance of this variant remains unclear.

NM_020937.4(FANCM):c.2599A>G (p.Lys867Glu)

Gene: FANCM (FA complementation group M; plus strand). Cytogenetic location: 14q21.2.
Variant type: single nucleotide variant.
Coding change: c.2599A>G on transcript NM_020937.4 (MANE Select); coding-DNA position 2599, A replaced by G.
Protein change: p.Lys867Glu; replaces lysine 867 with glutamic acid.
Molecular consequence: missense variant.
Genome position (GRCh38, 1-based): chr14:45,175,353, A>G. VCF-style: chr14-45175353-A-G. GRCh37 (hg19) VCF-style: chr14-45644556-A-G.
Other names: c.2599A>G (NM_020937.2); c.2521A>G, p.Lys841Glu (NM_001308133.2); short protein forms K841E, K867E.
Identifiers: ClinVar variation 1018259 (VCV001018259.7), dbSNP rs1888601587, ClinGen allele CA389598202.
Genomic context (GRCh38, chr14:45,175,353, plus strand): 5'-CCTACTAAAATTGTTTCTTTAAAGAAAAAAGTGTCTAAAGAAATAAAAAAAGATCAGCTT[A>G]AAAAAGAAAATAATCACGGTATTATAGATTCTGTAGATAATGACAGAAATTCCACTGTTG-3'
Protein context (NP_065988.1, residues 857-877): VSKEIKKDQL[Lys867Glu]KENNHGIIDS